The following is an entry in ClinVar:

ClinVar aggregate classification (germline): Uncertain significance (1 of 4 stars; one submission).

Conditions:
Severe combined immunodeficiency due to DNA-PKcs deficiency. Also called: IMMUNODEFICIENCY 26 WITH NEUROLOGIC ABNORMALITIES; Immunodeficiency 26 with or without neurologic abnormalities. Identifiers: Orphanet 317425, MedGen C4014833, MONDO:0014423, OMIM 615966.

Submission:

Labcorp Genetics (formerly Invitae), Labcorp
Classification: Uncertain significance for Severe combined immunodeficiency due to DNA-PKcs deficiency. Last evaluated: 2022-08-01. Review status: criteria provided, single submitter. Criteria: Invitae Variant Classification Sherloc (09022015). Collection method: clinical testing. Allele origin: germline.
Comment: This sequence change replaces glycine, which is neutral and non-polar, with glutamic acid, which is acidic and polar, at codon 1513 of the PRKDC protein (p.Gly1513Glu). This variant is not present in population databases (gnomAD no frequency). This variant has not been reported in the literature in individuals affected with PRKDC-related conditions. Experimental studies and prediction algorithms are not available or were not evaluated, and the functional significance of this variant is currently unknown. In summary, the available evidence is currently insufficient to determine the role of this variant in disease. Therefore, it has been classified as a Variant of Uncertain Significance.

NM_006904.7(PRKDC):c.4538G>A (p.Gly1513Glu)

Gene: PRKDC (protein kinase, DNA-activated, catalytic subunit; minus strand). Cytogenetic location: 8q11.21.
Variant type: single nucleotide variant.
Coding change: c.4538G>A on transcript NM_006904.7 (MANE Select); coding-DNA position 4538, G replaced by A.
Protein change: p.Gly1513Glu; replaces glycine 1513 with glutamic acid.
Molecular consequence: missense variant.
Genome position (GRCh38, 1-based): chr8:47,887,581, C>T on the plus strand (G>A on the coding strand, the complement: PRKDC is on the minus strand). VCF-style: chr8-47887581-C-T. GRCh37 (hg19) VCF-style: chr8-48800142-C-T.
Other names: c.4538G>A, p.Gly1513Glu (NM_001081640.2); short protein forms G1513E.
Identifiers: ClinVar variation 1714715 (VCV001714715.5), dbSNP rs2551873366, ClinGen allele CA371143773.